The following is an entry in ClinVar:

NM_015178.3(RHOBTB2):c.1120A>G (p.Asn374Asp)

Gene: RHOBTB2 (Rho related BTB domain containing 2; plus strand). Cytogenetic location: 8p21.3.
Variant type: single nucleotide variant.
Coding change: c.1120A>G on transcript NM_015178.3 (MANE Select); coding-DNA position 1120, A replaced by G.
Protein change: p.Asn374Asp; replaces asparagine 374 with aspartic acid.
Molecular consequence: missense variant.
Genome position (GRCh38, 1-based): chr8:23,007,365, A>G. VCF-style: chr8-23007365-A-G. GRCh37 (hg19) VCF-style: chr8-22864878-A-G.
Other names: c.1186A>G, p.Asn396Asp (NM_001160036.2); c.1141A>G, p.Asn381Asp (NM_001160037.2); c.1120A>G, p.Asn374Asp (NM_001374791.1); short protein forms N396D, N374D, N381D.
Identifiers: ClinVar variation 2759858 (VCV002759858.3), dbSNP rs765492852, ClinGen allele CA370567503.

ClinVar aggregate classification (germline): Uncertain significance (1 of 4 stars; one submission).

Submission:

Labcorp Genetics (formerly Invitae), Labcorp
Classification: Uncertain significance. Last evaluated: 2023-11-27. Review status: criteria provided, single submitter. Criteria: Invitae Variant Classification Sherloc (09022015). Collection method: clinical testing. Allele origin: germline.
Comment: This sequence change replaces asparagine, which is neutral and polar, with aspartic acid, which is acidic and polar, at codon 396 of the RHOBTB2 protein (p.Asn396Asp). This variant is not present in population databases (gnomAD no frequency). This variant has not been reported in the literature in individuals affected with RHOBTB2-related conditions. Advanced modeling of protein sequence and biophysical properties (such as structural, functional, and spatial information, amino acid conservation, physicochemical variation, residue mobility, and thermodynamic stability) performed at Invitae indicates that this missense variant is not expected to disrupt RHOBTB2 protein function with a negative predictive value of 80%. In summary, the available evidence is currently insufficient to determine the role of this variant in disease. Therefore, it has been classified as a Variant of Uncertain Significance.